The following is an entry in ClinVar:

NM_024675.4(PALB2):c.2749-11_2749-7del

Gene: PALB2 (partner and localizer of BRCA2; minus strand). Cytogenetic location: 16p12.2.
Variant type: Deletion.
Coding change: c.2749-11_2749-7del on transcript NM_024675.4 (MANE Select); 11 bases into the intron before coding-DNA position 2749 through 7 bases into the intron before coding-DNA position 2749, 5 bases deleted (GTTTT; older notation c.2749-11_2749-7delGTTTT).
Molecular consequence: intron variant.
Genome position (GRCh38, 1-based): chr16:23,624,101-23,624,105, AAAAC deleted on the plus strand (GTTTT on the coding strand, the reverse complement: PALB2 is on the minus strand); deleting any 5 consecutive bases within chr16:23,624,101-23,624,108 gives the same sequence; the c. name uses the placement nearest the transcript's 3' end. VCF-style (leftmost placement, unchanged base first): chr16-23624100-TAAAAC-T. GRCh37 (hg19) VCF-style: chr16-23635421-TAAAAC-T.
Identifiers: ClinVar variation 1594187 (VCV001594187.10), dbSNP rs1966828376, ClinGen allele CA975723220.

ClinVar aggregate classification (germline): Conflicting classifications of pathogenicity. Review status: criteria provided, conflicting classifications (1 of 4 stars). 2 submissions from 2 submitters: Uncertain significance (1); Likely benign (1). Last evaluated 2025-08-28.

Conditions:
Familial cancer of breast. Also called: Hereditary breast cancer; hereditary breast carcinoma; BREAST CANCER, FAMILIAL. Identifiers: Orphanet 227535, MedGen C0346153, MONDO:0016419, OMIM 114480. Disease mechanism: loss of function.

Submissions (2):

Labcorp Genetics (formerly Invitae), Labcorp
Classification: Likely benign for Familial cancer of breast. Last evaluated: 2025-08-28. Review status: criteria provided, single submitter. Criteria: Invitae Variant Classification Sherloc (09022015). Collection method: clinical testing. Allele origin: germline.

GeneDx
Classification: Uncertain significance. Last evaluated: 2022-10-21. Review status: criteria provided, single submitter. Criteria: GeneDx Variant Classification Process June 2021. Collection method: clinical testing. Allele origin: germline. Affected: yes.
Comment: Not observed at significant frequency in large population cohorts (gnomAD); In silico analysis supports a deleterious effect on splicing; Has not been previously published as pathogenic or benign to our knowledge